The following is an entry in ClinVar:

NM_001105206.3(LAMA4):c.268G>A (p.Glu90Lys)

Gene: LAMA4 (laminin subunit alpha 4; minus strand). Cytogenetic location: 6q21.
Variant type: single nucleotide variant.
Coding change: c.268G>A on transcript NM_001105206.3 (MANE Select); coding-DNA position 268, G replaced by A.
Protein change: p.Glu90Lys; replaces glutamic acid 90 with lysine.
Molecular consequence: missense variant.
Genome position (GRCh38, 1-based): chr6:112,216,397, C>T on the plus strand (G>A on the coding strand, the complement: LAMA4 is on the minus strand). VCF-style: chr6-112216397-C-T. GRCh37 (hg19) VCF-style: chr6-112537598-C-T.
Other names: c.268G>A, p.Glu90Lys (NM_001105207.3, NM_002290.5); short protein forms E90K.
Identifiers: ClinVar variation 2910204 (VCV002910204.3), dbSNP rs782025303, ClinGen allele CA3966257.

ClinVar aggregate classification (germline): Uncertain significance (1 of 4 stars; one submission).

Conditions:
Dilated cardiomyopathy 1JJ (CMD1JJ). Identifiers: Orphanet 154, MedGen C3808935, MONDO:0014095, OMIM 615235.

Allele frequency attached by ClinVar (database versions not stated): ExAC 0.00001; gnomAD 0.00001; gnomAD exomes 0.00001; TOPMed 0.00001.
gnomAD v4.1: 16 of 1,613,638 alleles (0.00099%); highest among the groups gnomAD compares: African/African-American, 0.0053%; no homozygotes.

Submission:

Labcorp Genetics (formerly Invitae), Labcorp
Classification: Uncertain significance for Dilated cardiomyopathy 1JJ. Last evaluated: 2025-10-17. Review status: criteria provided, single submitter. Criteria: Invitae Variant Classification Sherloc (09022015). Collection method: clinical testing. Allele origin: germline.
Comment: This sequence change replaces glutamic acid, which is acidic and polar, with lysine, which is basic and polar, at codon 90 of the LAMA4 protein (p.Glu90Lys). This variant is present in population databases (rs782025303, gnomAD 0.003%). This variant has not been reported in the literature in individuals affected with LAMA4-related conditions. ClinVar contains an entry for this variant (Variation ID: 2910204). Invitae Evidence Modeling of protein sequence and biophysical properties (such as structural, functional, and spatial information, amino acid conservation, physicochemical variation, residue mobility, and thermodynamic stability) indicates that this missense variant is not expected to disrupt LAMA4 protein function with a negative predictive value of 80%. In summary, the available evidence is currently insufficient to determine the role of this variant in disease. Therefore, it has been classified as a Variant of Uncertain Significance.